The following is an entry in ClinVar:

NM_005733.3(KIF20A):c.764C>T (p.Thr255Ile)

Gene: KIF20A (kinesin family member 20A; plus strand). Cytogenetic location: 5q31.2.
Variant type: single nucleotide variant.
Coding change: c.764C>T on transcript NM_005733.3 (MANE Select); coding-DNA position 764, C replaced by T.
Protein change: p.Thr255Ile; replaces threonine 255 with isoleucine.
Molecular consequence: missense variant.
Genome position (GRCh38, 1-based): chr5:138,182,922, C>T. VCF-style: chr5-138182922-C-T. GRCh37 (hg19) VCF-style: chr5-137518611-C-T.
Other names: short protein forms T255I.
Identifiers: ClinVar variation 3619497 (VCV003619497.2).

ClinVar aggregate classification (germline): Uncertain significance (1 of 4 stars; one submission).

gnomAD v4.1: 32 of 1,614,048 alleles (0.002%); highest among the groups gnomAD compares: African/African-American, 0.004%; 1 homozygote.

Submission:

Labcorp Genetics (formerly Invitae), Labcorp
Classification: Uncertain significance. Last evaluated: 2024-05-18. Review status: criteria provided, single submitter. Criteria: Invitae Variant Classification Sherloc (09022015). Collection method: clinical testing. Allele origin: germline.
Comment: This sequence change replaces threonine, which is neutral and polar, with isoleucine, which is neutral and non-polar, at codon 255 of the KIF20A protein (p.Thr255Ile). This variant is present in population databases (rs764911233, gnomAD 0.002%). This variant has not been reported in the literature in individuals affected with KIF20A-related conditions. Algorithms developed to predict the effect of missense changes on protein structure and function output the following: SIFT: "Not Available"; PolyPhen-2: "Benign"; Align-GVGD: "Not Available". The isoleucine amino acid residue is found in multiple mammalian species, which suggests that this missense change does not adversely affect protein function. In summary, the available evidence is currently insufficient to determine the role of this variant in disease. Therefore, it has been classified as a Variant of Uncertain Significance.